The following is an entry in ClinVar:

NM_004655.4(AXIN2):c.1059+8C>G

Gene: AXIN2 (axin 2; minus strand). Cytogenetic location: 17q24.1.
Variant type: single nucleotide variant.
Coding change: c.1059+8C>G on transcript NM_004655.4 (MANE Select); 8 bases into the intron after coding-DNA position 1059, C replaced by G.
Molecular consequence: intron variant.
Genome position (GRCh38, 1-based): chr17:65,541,447, G>C on the plus strand (C>G on the coding strand, the complement: AXIN2 is on the minus strand). VCF-style: chr17-65541447-G-C. GRCh37 (hg19) VCF-style: chr17-63537565-G-C.
Other names: c.1059+8C>G (LRG_296t1, NM_001363813.1).
Identifiers: ClinVar variation 511131 (VCV000511131.8), dbSNP rs367595502, ClinGen allele CA658798959.

ClinVar aggregate classification (germline): Likely benign. Review status: criteria provided, multiple submitters, no conflicts (2 of 4 stars). 3 submissions from 3 submitters: Likely benign (3). Last evaluated 2024-06-28.

Conditions:
Oligodontia-cancer predisposition syndrome. Also called: TOOTH AGENESIS-COLORECTAL CANCER SYNDROME. Identifiers: Orphanet 300576, MedGen C1837750, MONDO:0012075, OMIM 608615. Disease mechanism: loss of function.

Submissions (3):

Myriad Genetics, Inc.
Classification: Likely benign for Oligodontia-cancer predisposition syndrome. Last evaluated: 2024-06-28. Review status: criteria provided, single submitter. Criteria: Myriad Autosomal Dominant, Autosomal Recessive and X-Linked Classification Criteria (2023). Collection method: clinical testing. Allele origin: unknown.
Comment: This variant is considered likely benign. This variant is intronic and is not expected to impact mRNA splicing.

Labcorp Genetics (formerly Invitae), Labcorp
Classification: Likely benign for Oligodontia-cancer predisposition syndrome. Last evaluated: 2024-02-20. Review status: criteria provided, single submitter. Criteria: Invitae Variant Classification Sherloc (09022015). Collection method: clinical testing. Allele origin: germline.

GeneDx
Classification: Likely benign. Last evaluated: 2017-07-26. Review status: criteria provided, single submitter. Criteria: GeneDx Variant Classification (06012015). Collection method: clinical testing. Allele origin: germline. Affected: yes.
Comment: This variant is considered likely benign or benign based on one or more of the following criteria: it is a conservative change, it occurs at a poorly conserved position in the protein, it is predicted to be benign by multiple in silico algorithms, and/or has population frequency not consistent with disease.